The following is an entry in ClinVar:

ClinVar aggregate classification (germline): Uncertain significance (1 of 4 stars; one submission).

Submission:

Labcorp Genetics (formerly Invitae), Labcorp
Classification: Uncertain significance. Last evaluated: 2025-10-18. Review status: criteria provided, single submitter. Criteria: Invitae Variant Classification Sherloc (09022015). Collection method: clinical testing. Allele origin: germline.
Comment: This sequence change replaces serine, which is neutral and polar, with phenylalanine, which is neutral and non-polar, at codon 552 of the TOPORS protein (p.Ser552Phe). This variant is not present in population databases (gnomAD no frequency). This variant has not been reported in the literature in individuals affected with TOPORS-related conditions. ClinVar contains an entry for this variant (Variation ID: 1354555). An algorithm developed to predict the effect of missense changes on protein structure and function (PolyPhen-2) suggests that this variant is likely to be disruptive. In summary, the available evidence is currently insufficient to determine the role of this variant in disease. Therefore, it has been classified as a Variant of Uncertain Significance.

NM_005802.5(TOPORS):c.1655C>T (p.Ser552Phe)

Gene: TOPORS (TOP1 binding arginine/serine rich protein, E3 ubiquitin ligase; minus strand). Cytogenetic location: 9p21.1.
Variant type: single nucleotide variant.
Coding change: c.1655C>T on transcript NM_005802.5 (MANE Select); coding-DNA position 1655, C replaced by T.
Protein change: p.Ser552Phe; replaces serine 552 with phenylalanine.
Molecular consequence: missense variant.
Genome position (GRCh38, 1-based): chr9:32,542,870, G>A on the plus strand (C>T on the coding strand, the complement: TOPORS is on the minus strand). VCF-style: chr9-32542870-G-A. GRCh37 (hg19) VCF-style: chr9-32542868-G-A.
Other names: c.1460C>T, p.Ser487Phe (NM_001195622.2); short protein forms S487F, S552F.
Identifiers: ClinVar variation 1354555 (VCV001354555.8), dbSNP rs2118967390, ClinGen allele CA373168882.